The following is an entry in ClinVar:

NM_001371928.1(AHDC1):c.3772T>C (p.Ser1258Pro)

Gene: AHDC1 (AT-hook DNA binding motif containing 1; minus strand). Cytogenetic location: 1p36.11.
Variant type: single nucleotide variant.
Coding change: c.3772T>C on transcript NM_001371928.1 (MANE Select); coding-DNA position 3772, T replaced by C.
Protein change: p.Ser1258Pro; replaces serine 1258 with proline.
Molecular consequence: missense variant.
Genome position (GRCh38, 1-based): chr1:27,548,344, A>G on the plus strand (T>C on the coding strand, the complement: AHDC1 is on the minus strand). VCF-style: chr1-27548344-A-G. GRCh37 (hg19) VCF-style: chr1-27874855-A-G.
Other names: c.3772T>C, p.Ser1258Pro (NM_001029882.3); c.-272T>C (NM_015699.1); short protein forms S1258P.
Identifiers: ClinVar variation 3250657 (VCV003250657.18), dbSNP rs2019308059.

ClinVar aggregate classification (germline): Likely benign (1 of 4 stars; one submission).

Submission:

CeGaT Center for Human Genetics Tuebingen
Classification: Likely benign. Last evaluated: 2024-06-01. Review status: criteria provided, single submitter. Criteria: CeGaT Center For Human Genetics Tuebingen Variant Classification Criteria Version 2. Collection method: clinical testing. Allele origin: germline. Affected: yes. Observed: 1 variant allele.
Comment: AHDC1: PM2, BP4, BS2